The following is an entry in ClinVar:

NM_018979.4(WNK1):c.4564G>A (p.Val1522Met)

Gene: WNK1 (WNK lysine deficient protein kinase 1; plus strand). Cytogenetic location: 12p13.33.
Variant type: single nucleotide variant.
Coding change: c.4564G>A on transcript NM_018979.4 (MANE Select); coding-DNA position 4564, G replaced by A.
Protein change: p.Val1522Met; replaces valine 1522 with methionine.
Molecular consequence: missense variant.
Genome position (GRCh38, 1-based): chr12:885,368, G>A. VCF-style: chr12-885368-G-A. GRCh37 (hg19) VCF-style: chr12-994534-G-A.
Other names: p.Val1774Met; c.5344G>A, p.Val1782Met (NM_001184985.2); c.3823G>A, p.Val1275Met (NM_014823.3); c.5320G>A, p.Val1774Met (NM_213655.5); short protein forms V1522M, V1774M, V1275M, V1782M.
Identifiers: ClinVar variation 310830 (VCV000310830.21), dbSNP rs146861951, ClinGen allele CA6382996.
Genomic context (GRCh38, chr12:885,368, plus strand): 5'-GCTTCACAGCTGTGCATTCAGCTTAGCAGCAGTACTTCTACTCCTACTTTAGCTGAAACC[G>A]TGGTAGTTAGCGCACACTCACTAGATAAGACATCTCATAGCAGTACAACTGGATTGGCTT-3'
Protein context (NP_061852.3, residues 1512-1532): STSTPTLAET[Val1522Met]VVSAHSLDKT

ClinVar aggregate classification (germline): Benign/Likely benign. Review status: criteria provided, multiple submitters, no conflicts (2 of 4 stars). 5 submissions from 5 submitters: Benign (1); Likely benign (4). Last evaluated 2025-12-24.

Conditions:
WNK1-related disorder. Also called: WNK1-related condition.
Inborn genetic diseases. Identifiers: MedGen C0950123, MeSH D030342.
Neuropathy, hereditary sensory and autonomic, type 2A (HSAN2A). Also called: ACROOSTEOLYSIS, GIACCAI TYPE; ACROOSTEOLYSIS, NEUROGENIC; NEUROPATHY, CONGENITAL SENSORY; NEUROPATHY, HEREDITARY SENSORY RADICULAR, AUTOSOMAL RECESSIVE; NEUROPATHY, HEREDITARY SENSORY, TYPE IIA; NEUROPATHY, PROGRESSIVE SENSORY, OF CHILDREN. Identifiers: Orphanet 970, MedGen C2752089, MONDO:0024309, OMIM 201300.
Pseudohypoaldosteronism type 2C (PHA2C). Also called: Pseudohypoaldosteronism Type IIC. Identifiers: Orphanet 757, Orphanet 88940, MedGen C1840391, MONDO:0013778, OMIM 614492.

Allele frequency attached by ClinVar (database versions not stated): gnomAD 0.00023 and 0.00030; TOPMed 0.00026; ExAC 0.00044; gnomAD exomes 0.00051; 1000 Genomes Project 0.00180; 1000 Genomes Project 30x 0.00187; ESP Exome Variant Server 0.00023.
gnomAD v4.1: 858 of 1,613,798 alleles (0.053%); highest among the groups gnomAD compares: East Asian, 0.18%; 4 homozygotes.

Submissions (5):

Labcorp Genetics (formerly Invitae), Labcorp
Classification: Likely benign for Neuropathy, hereditary sensory and autonomic, type 2A; Pseudohypoaldosteronism type 2C. Last evaluated: 2025-12-24. Review status: criteria provided, single submitter. Criteria: Invitae Variant Classification Sherloc (09022015). Collection method: clinical testing. Allele origin: germline.

Mayo Clinic Laboratories, Mayo Clinic
Classification: Likely benign. Last evaluated: 2025-08-27. Review status: criteria provided, single submitter. Criteria: ACMG Guidelines, 2015. Collection method: clinical testing. Allele origin: germline. Observed: 2 variant alleles.
Comment: BS1, BP4_moderate

PreventionGenetics, part of Exact Sciences
Classification: Likely benign for WNK1-related condition. Last evaluated: 2025-03-12. Review status: criteria provided, single submitter. Criteria: ACMG Guidelines, 2015. Collection method: clinical testing. Allele origin: germline.
Comment: This variant is classified as likely benign based on ACMG/AMP sequence variant interpretation guidelines (Richards et al. 2015 PMID: 25741868, with internal and published modifications).

Ambry Genetics
Classification: Likely benign for Inborn genetic diseases. Last evaluated: 2019-12-28. Review status: criteria provided, single submitter. Criteria: Ambry Variant Classification Scheme 2023. Collection method: clinical testing. Allele origin: germline.

Illumina Laboratory Services, Illumina
Classification: Benign for Pseudohypoaldosteronism type 2C. Last evaluated: 2018-01-12. Review status: criteria provided, single submitter. Criteria: ICSL Variant Classification Criteria 13 December 2019. Collection method: clinical testing. Allele origin: germline.
Comment: This variant was observed in the ICSL laboratory as part of a predisposition screen in an ostensibly healthy population. It had not been previously curated by ICSL or reported in the Human Gene Mutation Database (HGMD: prior to June 1st, 2018), and was therefore a candidate for classification through an automated scoring system. Utilizing variant allele frequency, disease prevalence and penetrance estimates, and inheritance mode, an automated score was calculated to assess if this variant is too frequent to cause the disease. Based on the score and internal cut-off values, a variant classified as benign is not then subjected to further curation. The score for this variant resulted in a classification of benign for this disease.